The following is an entry in ClinVar:

ClinVar aggregate classification (germline): Uncertain significance (1 of 4 stars; one submission).

Allele frequency attached by ClinVar (database versions not stated): gnomAD exomes 0.00001; TOPMed 0.00001; ExAC 0.00002.
gnomAD v4.1: 22 of 1,613,984 alleles (0.0014%); highest among the groups gnomAD compares: Non-Finnish European, 0.0018%; no homozygotes.

Submission:

Labcorp Genetics (formerly Invitae), Labcorp
Classification: Uncertain significance. Last evaluated: 2022-02-03. Review status: criteria provided, single submitter. Criteria: Invitae Variant Classification Sherloc (09022015). Collection method: clinical testing. Allele origin: germline.
Comment: In summary, the available evidence is currently insufficient to determine the role of this variant in disease. Therefore, it has been classified as a Variant of Uncertain Significance. Algorithms developed to predict the effect of missense changes on protein structure and function output the following: SIFT: "Tolerated"; PolyPhen-2: "Benign"; Align-GVGD: "Class C0". The alanine amino acid residue is found in multiple mammalian species, which suggests that this missense change does not adversely affect protein function. This variant has not been reported in the literature in individuals affected with C5-related conditions. This variant is present in population databases (rs770047349, gnomAD 0.002%). This sequence change replaces valine, which is neutral and non-polar, with alanine, which is neutral and non-polar, at codon 862 of the C5 protein (p.Val862Ala).

NM_001735.3(C5):c.2585T>C (p.Val862Ala)

Gene: C5 (complement C5; minus strand). Cytogenetic location: 9q33.2.
Variant type: single nucleotide variant.
Coding change: c.2585T>C on transcript NM_001735.3 (MANE Select); coding-DNA position 2585, T replaced by C.
Protein change: p.Val862Ala; replaces valine 862 with alanine.
Molecular consequence: missense variant.
Genome position (GRCh38, 1-based): chr9:120,997,752, A>G on the plus strand (T>C on the coding strand, the complement: C5 is on the minus strand). VCF-style: chr9-120997752-A-G. GRCh37 (hg19) VCF-style: chr9-123760030-A-G.
Other names: c.2603T>C, p.Val868Ala (NM_001317163.2); short protein forms V868A, V862A.
Identifiers: ClinVar variation 2167244 (VCV002167244.2), dbSNP rs770047349, ClinGen allele CA5217712.